The following is an entry in ClinVar:

NM_001365276.2(TNXB):c.2224G>A (p.Gly742Ser)

Gene: TNXB (tenascin XB; minus strand). Cytogenetic location: 6p21.33.
Variant type: single nucleotide variant.
Coding change: c.2224G>A on transcript NM_001365276.2 (MANE Select); coding-DNA position 2224, G replaced by A.
Protein change: p.Gly742Ser; replaces glycine 742 with serine.
Molecular consequence: missense variant.
Genome position (GRCh38, 1-based): chr6:32,095,629, C>T on the plus strand (G>A on the coding strand, the complement: TNXB is on the minus strand). VCF-style: chr6-32095629-C-T. GRCh37 (hg19) VCF-style: chr6-32063406-C-T.
Other names: c.2224G>A, p.Gly742Ser (NM_019105.8); short protein forms G742S.
Identifiers: ClinVar variation 871713 (VCV000871713.49), dbSNP rs372262597, ClinGen allele CA3735540.

ClinVar aggregate classification (germline): Uncertain significance. Review status: criteria provided, multiple submitters, no conflicts (2 of 4 stars). 5 submissions from 5 submitters: Uncertain significance (5). Last evaluated 2026-05-18.

Conditions:
Ehlers-Danlos syndrome due to tenascin-X deficiency (EDSCLL1). Also called: TNXB-Related Classical-Like Ehlers-Danlos Syndrome; TNX DEFICIENCY; EHLERS-DANLOS SYNDROME, CLASSIC-LIKE; Ehlers-Danlos syndrome, classic-like, 1; EDS DUE TO TNX DEFICIENCY. Identifiers: Orphanet 230839, MedGen C1848029, MONDO:0011670, OMIM 606408.
Vesicoureteral reflux 8 (VUR8). Identifiers: Orphanet 289365, MedGen C4014831, MONDO:0014422, OMIM 615963.
Cardiovascular phenotype. Identifiers: MedGen CN230736.

Allele frequency attached by ClinVar (database versions not stated): TOPMed 0.00003; gnomAD exomes 0.00004 and 0.00005; ExAC 0.00005; ESP Exome Variant Server 0.00008.
gnomAD v4.1: 64 of 1,612,892 alleles (0.004%); highest among the groups gnomAD compares: Non-Finnish European, 0.0053%; no homozygotes.

Submissions (5):

Women's Health and Genetics/Laboratory Corporation of America, LabCorp
Classification: Uncertain significance. Last evaluated: 2026-05-18. Review status: criteria provided, single submitter. Criteria: LabCorp Variant Classification Summary - May 2015. Collection method: clinical testing. Allele origin: germline.
Comment: Variant summary: TNXB c.2224G>A (p.Gly742Ser) results in a non-conservative amino acid change located in the Epidermal growth factor-like domain (IPR000742) of the encoded protein sequence. Algorithms developed to predict the effect of missense changes on protein structure and function are either unavailable or do not agree on the potential impact of this missense change. The variant allele was found at a frequency of 5.2e-05 in 248204 control chromosomes. This frequency is not significantly higher than estimated for disease-causing variants in TNXB, allowing no conclusion about variant significance. To our knowledge, no occurrence of c.2224G>A in individuals affected with TNXB-related conditions and no experimental evidence demonstrating its impact on protein function have been reported. ClinVar contains an entry for this variant (Variation ID: 871713). Based on the evidence outlined above, the variant was classified as uncertain significance.

GeneDx
Classification: Uncertain significance. Last evaluated: 2025-07-01. Review status: criteria provided, single submitter. Criteria: GeneDx Variant Classification Process June 2021. Collection method: clinical testing. Allele origin: germline. Affected: yes.
Comment: Has not been previously published as pathogenic or benign to our knowledge; In silico analysis supports that this missense variant has a deleterious effect on protein structure/function

Ambry Genetics
Classification: Uncertain significance for Cardiovascular phenotype. Last evaluated: 2025-05-17. Review status: criteria provided, single submitter. Criteria: Ambry Variant Classification Scheme 2023. Collection method: clinical testing. Allele origin: germline.

Fulgent Genetics
Classification: Uncertain significance for Ehlers-Danlos syndrome due to tenascin-X deficiency; Vesicoureteral reflux 8. Last evaluated: 2024-03-20. Review status: criteria provided, single submitter. Criteria: ACMG Guidelines, 2015. Collection method: clinical testing. Allele origin: germline.

CeGaT Center for Human Genetics Tuebingen
Classification: Uncertain significance. Last evaluated: 2019-09-01. Review status: criteria provided, single submitter. Criteria: CeGaT Center For Human Genetics Tuebingen Variant Classification Criteria Version 2. Collection method: clinical testing. Allele origin: germline. Affected: yes. Observed: 1 variant allele.